The following is an entry in ClinVar:

NM_000562.3(C8A):c.1454G>T (p.Arg485Leu)

Gene: C8A (complement C8 alpha chain; plus strand). Cytogenetic location: 1p32.2.
Variant type: single nucleotide variant.
Coding change: c.1454G>T on transcript NM_000562.3 (MANE Select); coding-DNA position 1454, G replaced by T.
Protein change: p.Arg485Leu; replaces arginine 485 with leucine.
Molecular consequence: missense variant.
Genome position (GRCh38, 1-based): chr1:56,912,476, G>T. VCF-style: chr1-56912476-G-T. GRCh37 (hg19) VCF-style: chr1-57378149-G-T.
Other names: short protein forms R485L.
Identifiers: ClinVar variation 402461 (VCV000402461.16), dbSNP rs1620075, ClinGen allele CA875399.

ClinVar aggregate classification (germline): Benign/Likely benign. Review status: criteria provided, multiple submitters, no conflicts (2 of 4 stars). 5 submissions from 5 submitters: Benign (4); Likely benign (1). Last evaluated 2025-11-24.

Allele frequency attached by ClinVar (database versions not stated): ESP Exome Variant Server 0.09488; TOPMed 0.11018; 1000 Genomes Project 0.13618; 1000 Genomes Project 30x 0.14194.
gnomAD v4.1: 100,107 of 1,614,080 alleles (6.2%); highest among the groups gnomAD compares: African/African-American, 22%; 4,764 homozygotes.

Submissions (5):

Labcorp Genetics (formerly Invitae), Labcorp
Classification: Benign. Last evaluated: 2025-11-24. Review status: criteria provided, single submitter. Criteria: Invitae Variant Classification Sherloc (09022015). Collection method: clinical testing. Allele origin: germline.

Blueprint Genetics
Classification: Likely benign. Last evaluated: 2024-11-26. Review status: criteria provided, single submitter. Criteria: ACMG Guidelines, 2015. Collection method: clinical testing. Allele origin: germline.

Mayo Clinic Laboratories, Mayo Clinic
Classification: Benign. Last evaluated: 2022-09-06. Review status: criteria provided, single submitter. Criteria: ACMG Guidelines, 2015. Collection method: clinical testing. Allele origin: germline. Observed: 13 variant alleles.

Laboratory for Molecular Medicine, Mass General Brigham Personalized Medicine
Classification: Benign. Last evaluated: 2016-03-28. Review status: criteria provided, single submitter. Criteria: LMM Criteria. Collection method: clinical testing. Allele origin: germline.
Comment: Variant identified in a genome or exome case(s) and assessed due to predicted null impact of the variant or pathogenic assertions in the literature or databases. Disclaimer: This variant has not undergone full assessment. The following are preliminary notes: Frequency

Breakthrough Genomics
Classification: Benign. Review status: criteria provided, single submitter. Criteria: ACMG Guidelines, 2015. Collection method: not provided. Allele origin: germline. Inheritance: Autosomal recessive inheritance. Affected: yes.